The following is an entry in ClinVar:

NM_000278.5(PAX2):c.1087T>G (p.Phe363Val)

Gene: PAX2 (paired box 2; plus strand). Cytogenetic location: 10q24.31.
Variant type: single nucleotide variant.
Coding change: c.1087T>G on transcript NM_000278.5 (MANE Select); coding-DNA position 1087, T replaced by G.
Protein change: p.Phe363Val; replaces phenylalanine 363 with valine.
Molecular consequence: missense variant.
Genome position (GRCh38, 1-based): chr10:100,827,074, T>G. VCF-style: chr10-100827074-T-G. GRCh37 (hg19) VCF-style: chr10-102586831-T-G.
Other names: c.1180T>G, p.Phe394Val (NM_001304569.2); c.1156T>G, p.Phe386Val (NM_003987.5, NM_003990.5); c.1170T>G, p.Asp390Glu (NM_003988.5); c.1087T>G, p.Phe363Val (NM_003989.5); short protein forms D390E, F363V, F394V, F386V.
Identifiers: ClinVar variation 2086943 (VCV002086943.4), dbSNP rs1848596670, ClinGen allele CA378260102.
Genomic context (GRCh38, chr10:100,827,074, plus strand): 5'-GAGTTCTCCGGCAACCCGTACAGCCACCCCCAGTACACGGCCTACAACGAGGCTTGGAGA[T>G]TCAGCAACCCCGCCTTACTAAGTGAGTACGCCACCTGGCTGGCCGGCGGCTCAGCGCGGC-3'
Protein context (NP_000269.3, residues 353-373): QYTAYNEAWR[Phe363Val]SNPALLSSPY

ClinVar aggregate classification (germline): Uncertain significance (1 of 4 stars; one submission).

Conditions:
Renal coloboma syndrome (PAPRS). Also called: COLOBOMA OF OPTIC NERVE WITH RENAL DISEASE; OPTIC COLOBOMA, VESICOURETERAL REFLUX, AND RENAL ANOMALIES; OPTIC NERVE COLOBOMA WITH RENAL DISEASE; RENAL-COLOBOMA SYNDROME WITH MACULAR ABNORMALITIES; PAPILLORENAL SYNDROME WITH MILD OCULAR ABNORMALITIES; PAPILLORENAL SYNDROME. Identifiers: Orphanet 1475, MedGen C1852759, MONDO:0007352, OMIM 120330.
Focal segmental glomerulosclerosis 7 (FSGS7). Identifiers: Orphanet 656, MedGen C4014925, MONDO:0014451, OMIM 616002.

Allele frequency attached by ClinVar (database versions not stated): gnomAD exomes below 0.00001.
gnomAD v4.1: 1 of 1,613,374 alleles (0.000062%); highest among the groups gnomAD compares: South Asian, 0.0011%; no homozygotes.

Submission:

Labcorp Genetics (formerly Invitae), Labcorp
Classification: Uncertain significance for Renal coloboma syndrome; Focal segmental glomerulosclerosis 7. Last evaluated: 2025-04-07. Review status: criteria provided, single submitter. Criteria: Invitae Variant Classification Sherloc (09022015). Collection method: clinical testing. Allele origin: germline.
Comment: This sequence change replaces aspartic acid, which is acidic and polar, with glutamic acid, which is acidic and polar, at codon 390 of the PAX2 protein (p.Asp390Glu). This variant is not present in population databases (gnomAD no frequency). This variant has not been reported in the literature in individuals affected with PAX2-related conditions. ClinVar contains an entry for this variant (Variation ID: 2086943). Experimental studies and prediction algorithms are not available or were not evaluated, and the functional significance of this variant is currently unknown. In summary, the available evidence is currently insufficient to determine the role of this variant in disease. Therefore, it has been classified as a Variant of Uncertain Significance.